The following is an entry in ClinVar:

ClinVar aggregate classification (germline): Uncertain significance (1 of 4 stars; one submission).

Allele frequency attached by ClinVar (database versions not stated): TOPMed below 0.00001; ExAC 0.00002.
gnomAD v4.1: 11 of 1,611,974 alleles (0.00068%); highest among the groups gnomAD compares: South Asian, 0.0022%; no homozygotes.

Submission:

Labcorp Genetics (formerly Invitae), Labcorp
Classification: Uncertain significance. Last evaluated: 2021-05-29. Review status: criteria provided, single submitter. Criteria: Invitae Variant Classification Sherloc (09022015). Collection method: clinical testing. Allele origin: germline.
Comment: This sequence change replaces serine with proline at codon 739 of the MED13 protein (p.Ser739Pro). The serine residue is moderately conserved and there is a moderate physicochemical difference between serine and proline. This variant is present in population databases (rs763035252, ExAC 0.006%). This variant has not been reported in the literature in individuals with MED13-related conditions. Advanced modeling of protein sequence and biophysical properties (such as structural, functional, and spatial information, amino acid conservation, physicochemical variation, residue mobility, and thermodynamic stability) performed at Invitae indicates that this missense variant is not expected to disrupt MED13 protein function. In summary, the available evidence is currently insufficient to determine the role of this variant in disease. Therefore, it has been classified as a Variant of Uncertain Significance.

NM_005121.3(MED13):c.2215T>C (p.Ser739Pro)

Gene: MED13 (mediator complex subunit 13; minus strand). Cytogenetic location: 17q23.2.
Variant type: single nucleotide variant.
Coding change: c.2215T>C on transcript NM_005121.3 (MANE Select); coding-DNA position 2215, T replaced by C.
Protein change: p.Ser739Pro; replaces serine 739 with proline.
Molecular consequence: missense variant.
Genome position (GRCh38, 1-based): chr17:61,992,588, A>G on the plus strand (T>C on the coding strand, the complement: MED13 is on the minus strand). VCF-style: chr17-61992588-A-G. GRCh37 (hg19) VCF-style: chr17-60069949-A-G.
Other names: short protein forms S739P.
Identifiers: ClinVar variation 2416783 (VCV002416783.3), dbSNP rs763035252, ClinGen allele CA8692882.